The following is an entry in ClinVar:

NM_015910.7(WDPCP):c.252G>T (p.Glu84Asp)

Gene: WDPCP (WD repeat containing planar cell polarity effector; minus strand). Cytogenetic location: 2p15.
Variant type: single nucleotide variant.
Coding change: c.252G>T on transcript NM_015910.7 (MANE Select); coding-DNA position 252, G replaced by T.
Protein change: p.Glu84Asp; replaces glutamic acid 84 with aspartic acid.
Molecular consequence: missense variant. On other transcripts: non-coding transcript variant (2).
Genome position (GRCh38, 1-based): chr2:63,486,543, C>A on the plus strand (G>T on the coding strand, the complement: WDPCP is on the minus strand). VCF-style: chr2-63486543-C-A. GRCh37 (hg19) VCF-style: chr2-63713677-C-A.
Other names: c.180G>T, p.Glu60Asp (NM_001354044.2); c.252G>T, p.Glu84Asp (NM_001354045.2); c.252G>T (NM_015910.5); short protein forms E60D, E84D.
Identifiers: ClinVar variation 1099609 (VCV001099609.13), dbSNP rs201399904, ClinGen allele CA1682557.

ClinVar aggregate classification (germline): Conflicting classifications of pathogenicity. Review status: criteria provided, conflicting classifications (1 of 4 stars). 4 submissions from 4 submitters: Uncertain significance (1); Likely benign (2). 1 of the submissions does not count toward it. Last evaluated 2024-12-13.

Conditions:
Bardet-Biedl syndrome (BBS). Identifiers: Orphanet 110, MedGen C0752166, MONDO:0015229.
WDPCP-related disorder. Also called: WDPCP-related condition.
Heart defect - tongue hamartoma - polysyndactyly syndrome. Also called: Congenital heart defects, hamartomas of tongue, and polysyndactyly. Identifiers: Orphanet 1338, MedGen C1857587, MONDO:0009008, OMIM 217085.
Bardet-Biedl syndrome 15 (BBS15). Identifiers: Orphanet 110, MedGen C3150127, MONDO:0014443, OMIM 615992.

Allele frequency attached by ClinVar (database versions not stated): gnomAD exomes 0.00028; 1000 Genomes Project 30x 0.00031; ExAC 0.00048.
gnomAD v4.1: 107 of 1,571,978 alleles (0.0068%); highest among the groups gnomAD compares: East Asian, 0.24%; no homozygotes.

Submissions (4):

Labcorp Genetics (formerly Invitae), Labcorp
Classification: Likely benign for Bardet-Biedl syndrome. Last evaluated: 2024-12-13. Review status: criteria provided, single submitter. Criteria: Invitae Variant Classification Sherloc (09022015). Collection method: clinical testing. Allele origin: germline.

Blueprint Genetics
Classification: Uncertain significance. Last evaluated: 2024-02-13. Review status: criteria provided, single submitter. Criteria: ACMG Guidelines, 2015. Collection method: clinical testing. Allele origin: germline.

Fulgent Genetics
Classification: Likely benign for Heart defect - tongue hamartoma - polysyndactyly syndrome; Bardet-Biedl syndrome 15. Last evaluated: 2021-11-15. Review status: criteria provided, single submitter. Criteria: ACMG Guidelines, 2015. Collection method: clinical testing. Allele origin: unknown.

PreventionGenetics, part of Exact Sciences
Classification: Likely benign for WDPCP-related condition. Last evaluated: 2021-07-14. Review status: no assertion criteria provided. Collection method: clinical testing. Allele origin: germline. Not counted in ClinVar's aggregate classification.
Comment: This variant is classified as likely benign based on ACMG/AMP sequence variant interpretation guidelines (Richards et al. 2015 PMID: 25741868, with internal and published modifications).